The following is an entry in ClinVar:

ClinVar aggregate classification (germline): Uncertain significance (1 of 4 stars; one submission).

Conditions:
Marfan syndrome (MFS). Also called: MARFAN SYNDROME, TYPE I; Marfan syndrome type 1; Marfan's syndrome; Marfan syndrome, classic; FBN1-Related Marfan Syndrome. Identifiers: Orphanet 284963, Orphanet 558, MedGen C0024796, MONDO:0007947, OMIM 154700.
Familial thoracic aortic aneurysm and aortic dissection (TAAD). Also called: Thoracic aortic aneurysms and dissections. Identifiers: Orphanet 91387, MedGen C4707243, MONDO:0019625.

Submission:

Labcorp Genetics (formerly Invitae), Labcorp
Classification: Uncertain significance for Marfan syndrome; Familial thoracic aortic aneurysm and aortic dissection. Last evaluated: 2022-12-19. Review status: criteria provided, single submitter. Criteria: Invitae Variant Classification Sherloc (09022015). Collection method: clinical testing. Allele origin: germline.
Comment: In summary, the available evidence is currently insufficient to determine the role of this variant in disease. Therefore, it has been classified as a Variant of Uncertain Significance. Algorithms developed to predict the effect of sequence changes on RNA splicing suggest that this variant may disrupt the consensus splice site. This variant has not been reported in the literature in individuals affected with FBN1-related conditions. This variant is not present in population databases (gnomAD no frequency). This sequence change falls in intron 62 of the FBN1 gene. It does not directly change the encoded amino acid sequence of the FBN1 protein.

NM_000138.5(FBN1):c.7700-10T>G

Gene: FBN1 (fibrillin 1; minus strand). Cytogenetic location: 15q21.1.
Variant type: single nucleotide variant.
Coding change: c.7700-10T>G on transcript NM_000138.5 (MANE Select); 10 bases into the intron before coding-DNA position 7700, T replaced by G.
Molecular consequence: intron variant.
Genome position (GRCh38, 1-based): chr15:48,420,816, A>C on the plus strand (T>G on the coding strand, the complement: FBN1 is on the minus strand). VCF-style: chr15-48420816-A-C. GRCh37 (hg19) VCF-style: chr15-48713013-A-C.
Other names: c.7700-10T>G (NM_001406716.1).
Identifiers: ClinVar variation 2934670 (VCV002934670.3), dbSNP rs2505395487, ClinGen allele CA2740096615.
Genomic context (GRCh38, chr15:48,420,816, plus strand): 5'-TGTTCTGGCAGCCATGCTGGCAGCGGTGGTTACCCTCACACTCGTCCACGTCTGAAAAAG[A>C]AGCAGAGCCACCATGATGCCAACTCAACATCTCTCTCTGAAGCCAGATGGATTCTAATAA-3'